The following is an entry in ClinVar:

NM_024519.4(RIPOR1):c.3291C>T (p.Ala1097=)

Gene: RIPOR1 (RHO family interacting cell polarization regulator 1; plus strand). Cytogenetic location: 16q22.1.
Variant type: single nucleotide variant.
Coding change: c.3291C>T on transcript NM_024519.4 (MANE Select); coding-DNA position 3291, C replaced by T.
Protein change: p.Ala1097=; no amino-acid change (alanine 1097 retained).
Molecular consequence: synonymous variant.
Genome position (GRCh38, 1-based): chr16:67,545,764, C>T. VCF-style: chr16-67545764-C-T. GRCh37 (hg19) VCF-style: chr16-67579667-C-T.
Other names: c.3303C>T, p.Ala1101= (NM_001193522.2); c.3351C>T, p.Ala1117= (NM_001193523.2); c.3333C>T, p.Ala1111= (NM_001193524.2); c.3348C>T, p.Ala1116= (NM_001410885.1).
Identifiers: ClinVar variation 2646624 (VCV002646624.24), dbSNP rs774470272, ClinGen allele CA8112290.

ClinVar aggregate classification (germline): Likely benign (1 of 4 stars; one submission).

Allele frequency attached by ClinVar (database versions not stated): gnomAD 0.00001; ExAC 0.00003.
gnomAD v4.1: 26 of 1,612,590 alleles (0.0016%); highest among the groups gnomAD compares: South Asian, 0.029%; no homozygotes.

Submission:

CeGaT Center for Human Genetics Tuebingen
Classification: Likely benign. Last evaluated: 2022-06-01. Review status: criteria provided, single submitter. Criteria: CeGaT Center For Human Genetics Tuebingen Variant Classification Criteria Version 2. Collection method: clinical testing. Allele origin: germline. Affected: yes. Observed: 1 variant allele.
Comment: RIPOR1: BP4, BP7